The following is an entry in ClinVar:

ClinVar aggregate classification (germline): Conflicting classifications of pathogenicity. Review status: criteria provided, conflicting classifications (1 of 4 stars). 3 submissions from 3 submitters: Likely pathogenic (2); Uncertain significance (1). Last evaluated 2026-09-08.

Conditions:
Cardiovascular phenotype. Identifiers: MedGen CN230736.
Fabry disease. Also called: Fabry's disease; ALPHA-GALACTOSIDASE A DEFICIENCY; ANDERSON-FABRY DISEASE; CERAMIDE TRIHEXOSIDASE DEFICIENCY; GLA DEFICIENCY; HEREDITARY DYSTOPIC LIPIDOSIS. Identifiers: Orphanet 324, MedGen C0002986, MONDO:0010526, OMIM 301500, HP:0001071. Disease mechanism: Fabry disease is due to inactivating mutations in the X-linked GLA gene resulting in deficiency of the enzyme Alpha Galactosidase-A., loss of function.

Submissions (3):

Genomenon, Inc
Classification: Likely pathogenic for Fabry disease. Last evaluated: 2026-09-08. Review status: criteria provided, single submitter. Criteria: Genomenon Sequence Variant Interpretation Standards - Updated. Collection method: curation. Allele origin: germline. Affected: yes.
Comment: GLA p.Leu180Phe (c.540G>C) is a missense variant that changes the amino acid at codon 180 from Leucine to Phenylalanine. This variant has been observed in at least one proband with clinical features consistent with Fabry disease (PMID:39941270;34356073). The variant was found to segregate with disease in at least one affected family (PMID:39941270). It is absent or not present at a significant frequency in gnomAD. In silico models predict that this variant is possibly or probably damaging. In conclusion, we classify GLA p.Leu180Phe (c.540G>C) as a likely pathogenic variant.

Genetics Laboratory, Great Ormond Street Hospital NHS Foundation Trust, North Thames Genomic Laboratory Hub
Classification: Likely pathogenic for Fabry disease. Last evaluated: 2025-09-18. Review status: criteria provided, single submitter. Criteria: ACGS Best Practice Guidelines for Variant Classification in Rare Disease 2024 v1.2. Collection method: clinical testing. Allele origin: germline. Affected: yes.
Comment: PS4_moderate, PM2_moderate, PS3_supporting, PP4_strong

Ambry Genetics
Classification: Uncertain significance for Cardiovascular phenotype. Last evaluated: 2021-04-27. Review status: criteria provided, single submitter. Criteria: Ambry Variant Classification Scheme 2023. Collection method: clinical testing. Allele origin: germline.
Comment: The p.L180F variant (also known as c.540G>C), located in coding exon 3 of the GLA gene, results from a G to C substitution at nucleotide position 540. The leucine at codon 180 is replaced by phenylalanine, an amino acid with highly similar properties. This alteration has been reported in association with Fabry diease (Trimarchi H et al. J Transl Med, 2016 10;14:289; Rosa Neto NS et al. Mol Genet Metab Rep, 2020 Mar;22:100547; Balendran S et al. Clin Genet, 2020 04;97:655-660). This amino acid position is well conserved in available vertebrate species. In addition, this alteration is predicted to be deleterious by in silico analysis. Since supporting evidence is limited at this time, the clinical significance of this alteration remains unclear.

Literature cited by the submitters: PubMed 39941270 (cited by Genomenon, Inc); PubMed 34356073 (cited by Genomenon, Inc); PubMed 27733175 (cited by Ambry Genetics); PubMed 31860127 (cited by Ambry Genetics); PubMed 31871893 (cited by Ambry Genetics).

NM_000169.3(GLA):c.540G>C (p.Leu180Phe)

Genes: GLA (galactosidase alpha; minus strand), RPL36A-HNRNPH2 (RPL36A-HNRNPH2 readthrough; plus strand). Cytogenetic location: Xq22.1.
Variant type: single nucleotide variant.
Coding change: c.540G>C on transcript NM_000169.3 (MANE Select); coding-DNA position 540, G replaced by C.
Protein change: p.Leu180Phe; replaces leucine 180 with phenylalanine.
Molecular consequence: missense variant. On other transcripts: non-coding transcript variant (3), intron variant (2).
Genome position (GRCh38, 1-based): chrX:101,401,639, C>G on the plus strand (G>C on the coding strand, the complement: GLA is on the minus strand). VCF-style: chrX-101401639-C-G. GRCh37 (hg19) VCF-style: chrX-100656627-C-G.
Other names: c.663G>C, p.Leu221Phe (NM_001406747.1, NM_001406749.1); c.540G>C, p.Leu180Phe (NM_001406748.1); c.300+6182C>G (NM_001199973.2); c.177+9817C>G (NM_001199974.2); short protein forms L180F, L221F.
Identifiers: ClinVar variation 1747366 (VCV001747366.5), dbSNP rs869312145, ClinGen allele CA413928500.
Genomic context (GRCh38, chrX:101,401,639, plus strand): 5'-CATGGCCTCAAAGTTCTTTCCTTTGTGGCTAAATCTCTGGAATGAAACATTACCATCTGC[C>G]AAATTTTCCAAACTGTCACAGTAACAACCATCAAATTTTAGCAGATCTACTCCCCAGTCA-3'
Protein context (NP_000160.1, residues 170-190): DGCYCDSLEN[Leu180Phe]ADGYKHMSLA